The following is an entry in ClinVar:

ClinVar aggregate classification (germline): Uncertain significance (1 of 4 stars; one submission).

Conditions:
Propionic acidemia (PROP). Also called: GLYCINEMIA, KETOTIC; HYPERGLYCINEMIA WITH KETOACIDOSIS AND LEUKOPENIA; KETOTIC HYPERGLYCINEMIA. Identifiers: Orphanet 35, MedGen C0268579, MONDO:0011628, OMIM 606054, HP:0003571.

Submission:

Labcorp Genetics (formerly Invitae), Labcorp
Classification: Uncertain significance for Propionic acidemia. Last evaluated: 2022-07-22. Review status: criteria provided, single submitter. Criteria: Invitae Variant Classification Sherloc (09022015). Collection method: clinical testing. Allele origin: germline.
Comment: This sequence change replaces valine, which is neutral and non-polar, with phenylalanine, which is neutral and non-polar, at codon 162 of the PCCA protein (p.Val162Phe). This variant is present in population databases (no rsID available, gnomAD 0.0009%). This variant has not been reported in the literature in individuals affected with PCCA-related conditions. Algorithms developed to predict the effect of missense changes on protein structure and function are either unavailable or do not agree on the potential impact of this missense change (SIFT: "Tolerated"; PolyPhen-2: "Possibly Damaging"; Align-GVGD: "Class C0"). In summary, the available evidence is currently insufficient to determine the role of this variant in disease. Therefore, it has been classified as a Variant of Uncertain Significance.

NM_000282.4(PCCA):c.484G>T (p.Val162Phe)

Gene: PCCA (propionyl-CoA carboxylase subunit alpha; plus strand). Cytogenetic location: 13q32.3.
Variant type: single nucleotide variant.
Coding change: c.484G>T on transcript NM_000282.4 (MANE Select); coding-DNA position 484, G replaced by T.
Protein change: p.Val162Phe; replaces valine 162 with phenylalanine.
Molecular consequence: missense variant. On other transcripts: 5 prime UTR variant (3), non-coding transcript variant (5).
Genome position (GRCh38, 1-based): chr13:100,209,347, G>T. VCF-style: chr13-100209347-G-T. GRCh37 (hg19) VCF-style: chr13-100861601-G-T.
Other names: c.406G>T, p.Val136Phe (NM_001127692.3, NM_001352607.2, NM_001352608.2); c.484G>T, p.Val162Phe (NM_001178004.2, NM_001352605.2, NM_001352606.2 and 1 more transcripts); c.-383G>T (NM_001352610.2, NM_001352611.2, NM_001352612.2); short protein forms V136F, V162F.
Identifiers: ClinVar variation 1977930 (VCV001977930.2), dbSNP rs1442819667, ClinGen allele CA388693284.